The following is an entry in ClinVar:

NM_003579.4(RAD54L):c.1091G>A (p.Gly364Asp)

Gene: RAD54L (RAD54 like; plus strand). Cytogenetic location: 1p34.1.
Variant type: single nucleotide variant.
Coding change: c.1091G>A on transcript NM_003579.4 (MANE Select); coding-DNA position 1091, G replaced by A.
Protein change: p.Gly364Asp; replaces glycine 364 with aspartic acid.
Molecular consequence: missense variant.
Genome position (GRCh38, 1-based): chr1:46,270,707, G>A. VCF-style: chr1-46270707-G-A. GRCh37 (hg19) VCF-style: chr1-46736379-G-A.
Other names: c.1091G>A, p.Gly364Asp (NM_001142548.2); c.551G>A, p.Gly184Asp (NM_001370766.1); short protein forms G184D, G364D.
Identifiers: ClinVar variation 1789456 (VCV001789456.2), dbSNP rs774717984, ClinGen allele CA834465.

ClinVar aggregate classification (germline): Uncertain significance (1 of 4 stars; one submission).

Allele frequency attached by ClinVar (database versions not stated): gnomAD exomes below 0.00001; ExAC 0.00001.
gnomAD v4.1: 1 of 1,614,210 alleles (0.000062%); highest among the groups gnomAD compares: Admixed American, 0.0017%; no homozygotes.

Submission:

Ambry Genetics
Classification: Uncertain significance. Last evaluated: 2022-01-26. Review status: criteria provided, single submitter. Criteria: Ambry Variant Classification Scheme 2023. Collection method: clinical testing. Allele origin: germline.
Comment: The p.G364D variant (also known as c.1091G>A), located in coding exon 10 of the RAD54L gene, results from a G to A substitution at nucleotide position 1091. The glycine at codon 364 is replaced by aspartic acid, an amino acid with similar properties. This amino acid position is conserved. In addition, the in silico prediction for this alteration is inconclusive. Since supporting evidence is limited at this time, the clinical significance of this alteration remains unclear.